The following is an entry in ClinVar:

ClinVar aggregate classification (germline): Uncertain significance (1 of 4 stars; one submission).

Submission:

Kariminejad - Najmabadi Pathology & Genetics Center
Classification: Uncertain significance. Last evaluated: 2018-07-19. Review status: criteria provided, single submitter. Criteria: ACMG Guidelines, 2015. Collection method: clinical testing. Allele origin: germline. Inheritance: X-linked inheritance. Affected: yes. Observed: 2 variant alleles.
Comment: PM1 PM2 PP2 PP3

NM_001159699.2(FHL1):c.428T>C (p.Phe143Ser)

Gene: FHL1 (four and a half LIM domains 1; plus strand). Cytogenetic location: Xq26.3.
Variant type: single nucleotide variant.
Coding change: c.428T>C on transcript NM_001159699.2 (MANE Select); coding-DNA position 428, T replaced by C.
Protein change: p.Phe143Ser; replaces phenylalanine 143 with serine.
Molecular consequence: missense variant. On other transcripts: non-coding transcript variant (1).
Genome position (GRCh38, 1-based): chrX:136,207,840, T>C. VCF-style: chrX-136207840-T-C. GRCh37 (hg19) VCF-style: chrX-135289999-T-C.
Other names: c.380T>C, p.Phe127Ser (NM_001159700.2, NM_001159702.3, NM_001159703.2 and 9 more transcripts); c.467T>C, p.Phe156Ser (NM_001159701.2); c.428T>C, p.Phe143Ser (NM_001330659.2); short protein forms F127S, F143S, F156S.
Identifiers: ClinVar variation 3896903 (VCV003896903.1).
Genomic context (GRCh38, chrX:136,207,840, plus strand): 5'-TTCCCTCTGCAGGAGATCAAAACGTGGAGTACAAGGGGACCGTCTGGCACAAAGACTGCT[T>C]CACCTGTAGTAACTGCAAGCAAGTCATCGGGACTGGAAGCTTCTTCCCTAAAGGGGAGGA-3'
Protein context (NP_001153171.1, residues 133-153): YKGTVWHKDC[Phe143Ser]TCSNCKQVIG